The following is an entry in ClinVar:

NM_032444.4(SLX4):c.2125G>A (p.Val709Met)

Gene: SLX4 (SLX4 structure-specific endonuclease subunit; minus strand). Cytogenetic location: 16p13.3.
Variant type: single nucleotide variant.
Coding change: c.2125G>A on transcript NM_032444.4 (MANE Select); coding-DNA position 2125, G replaced by A.
Protein change: p.Val709Met; replaces valine 709 with methionine.
Molecular consequence: missense variant.
Genome position (GRCh38, 1-based): chr16:3,594,488, C>T on the plus strand (G>A on the coding strand, the complement: SLX4 is on the minus strand). VCF-style: chr16-3594488-C-T. GRCh37 (hg19) VCF-style: chr16-3644489-C-T.
Other names: c.2125G>A (LRG_503t1); short protein forms V709M.
Identifiers: ClinVar variation 319167 (VCV000319167.13), dbSNP rs151026877, ClinGen allele CA7866285.

ClinVar aggregate classification (germline): Uncertain significance. Review status: criteria provided, multiple submitters, no conflicts (2 of 4 stars). 4 submissions from 4 submitters: Uncertain significance (4). Last evaluated 2025-12-08.

Conditions:
Inborn genetic diseases. Identifiers: MedGen C0950123, MeSH D030342.
Fanconi anemia complementation group P. Also called: SLX4-Related Fanconi Anemia. Identifiers: Orphanet 84, MedGen C3469542, MONDO:0013499, OMIM 613951.
Fanconi anemia (FA). Also called: Fanconi's anemia. Identifiers: Orphanet 84, MedGen C0015625, MeSH D005199, MONDO:0019391.

Allele frequency attached by ClinVar (database versions not stated): ExAC 0.00002; gnomAD exomes 0.00002; gnomAD 0.00004; TOPMed 0.00005; ESP Exome Variant Server 0.00008.
gnomAD v4.1: 50 of 1,613,888 alleles (0.0031%); highest among the groups gnomAD compares: African/African-American, 0.0067%; no homozygotes.

Submissions (4):

Labcorp Genetics (formerly Invitae), Labcorp
Classification: Uncertain significance for Fanconi anemia. Last evaluated: 2025-12-08. Review status: criteria provided, single submitter. Criteria: Invitae Variant Classification Sherloc (09022015). Collection method: clinical testing. Allele origin: germline.
Comment: This sequence change replaces valine, which is neutral and non-polar, with methionine, which is neutral and non-polar, at codon 709 of the SLX4 protein (p.Val709Met). This variant is present in population databases (rs151026877, gnomAD 0.01%). This variant has not been reported in the literature in individuals affected with SLX4-related conditions. ClinVar contains an entry for this variant (Variation ID: 319167). An algorithm developed to predict the effect of missense changes on protein structure and function (PolyPhen-2) suggests that this variant is likely to be disruptive. In summary, the available evidence is currently insufficient to determine the role of this variant in disease. Therefore, it has been classified as a Variant of Uncertain Significance.

Ambry Genetics
Classification: Uncertain significance for Inborn genetic diseases. Last evaluated: 2024-07-26. Review status: criteria provided, single submitter. Criteria: Ambry Variant Classification Scheme 2023. Collection method: clinical testing. Allele origin: germline.

Fulgent Genetics
Classification: Uncertain significance for Fanconi anemia complementation group P. Last evaluated: 2024-05-17. Review status: criteria provided, single submitter. Criteria: ACMG Guidelines, 2015. Collection method: clinical testing. Allele origin: germline.

Illumina Laboratory Services, Illumina
Classification: Uncertain significance for Fanconi anemia complementation group P. Last evaluated: 2018-01-13. Review status: criteria provided, single submitter. Criteria: ICSL Variant Classification Criteria 13 December 2019. Collection method: clinical testing. Allele origin: germline.